The following is an entry in ClinVar:

NM_001267550.2(TTN):c.33911-6_33911-5insG

Gene: TTN (titin; minus strand). Cytogenetic location: 2q31.2.
Variant type: Insertion.
Coding change: c.33911-6_33911-5insG on transcript NM_001267550.2 (MANE Select); 6 bases into the intron before coding-DNA position 33911 through 5 bases into the intron before coding-DNA position 33911, G inserted.
Molecular consequence: intron variant.
Genome position: GRCh38 VCF-style: chr2-178678213-A-AC. GRCh37 (hg19) VCF-style: chr2-179542940-A-AC.
Other names: c.13283-35897_13283-35896insG (NM_003319.4); c.13859-35897_13859-35896insG (NM_133437.4); c.13658-35897_13658-35896insG (NM_133432.3); c.30179-6_30179-5insG (NM_133378.4); c.32960-6_32960-5insG (NM_001256850.1).
Identifiers: ClinVar variation 229425 (VCV000229425.22), dbSNP rs765503214, ClinGen allele CA1998180.

ClinVar aggregate classification (germline): Conflicting classifications of pathogenicity. Review status: criteria provided, conflicting classifications (1 of 4 stars). 10 submissions from 10 submitters: Uncertain significance (7); Likely benign (3). Last evaluated 2026-01-26.

Conditions:
TTN-related disorder. Also called: TTN-related disorders; TTN-related condition; TTN-related disease.
Dilated cardiomyopathy 1G (CMD1G). Identifiers: Orphanet 154, MedGen C1858763, MONDO:0011400, OMIM 604145.
Autosomal recessive limb-girdle muscular dystrophy type 2J (LGMDR10). Also called: Limb-girdle muscular dystrophy, type 2J; MUSCULAR DYSTROPHY, LIMB-GIRDLE, AUTOSOMAL RECESSIVE 10. Identifiers: Orphanet 140922, MedGen C1837342, MONDO:0012127, OMIM 608807.
Early-onset myopathy with fatal cardiomyopathy (CMYO5). Also called: CONGENITAL MYOPATHY 5 WITH CARDIOMYOPATHY; Salih Myopathy. Identifiers: Orphanet 289377, MedGen C2673677, MONDO:0012714, OMIM 611705. Disease mechanism: loss of function.
Tibial muscular dystrophy (TMD). Also called: Tibial muscular dystrophy, tardive; Udd Distal Myopathy – Tibial Muscular Dystrophy; UDD MYOPATHY. Identifiers: Orphanet 609, MedGen C1838244, MONDO:0010870, OMIM 600334.
Myopathy, myofibrillar, 9, with early respiratory failure (MFM9). Also called: Myopathy, distal, with early respiratory failure, autosomal dominant; MYOPATHY, PROXIMAL, WITH EARLY RESPIRATORY MUSCLE INVOLVEMENT; Hereditary myopathy with early respiratory failure; EDSTROM MYOPATHY. Identifiers: Orphanet 178464, Orphanet 34521, MedGen C1863599, MONDO:0011362, OMIM 603689.
Hypertrophic cardiomyopathy 9. Also called: Familial hypertrophic cardiomyopathy 9. Identifiers: MedGen C1861065, MONDO:0013412, OMIM 613765.

Allele frequency attached by ClinVar (database versions not stated): ExAC 0.00005; gnomAD exomes 0.00006 and 0.00008; ESP Exome Variant Server 0.00018; gnomAD 0.00019 and 0.00022; TOPMed 0.00039.

Submissions (10):

Labcorp Genetics (formerly Invitae), Labcorp
Classification: Likely benign for Dilated cardiomyopathy 1G; Autosomal recessive limb-girdle muscular dystrophy type 2J. Last evaluated: 2026-01-26. Review status: criteria provided, single submitter. Criteria: Invitae Variant Classification Sherloc (09022015). Collection method: clinical testing. Allele origin: germline.

PreventionGenetics, part of Exact Sciences
Classification: Likely benign for TTN-related condition. Last evaluated: 2025-05-21. Review status: criteria provided, single submitter. Criteria: ACMG Guidelines, 2015. Collection method: clinical testing. Allele origin: germline.
Comment: This variant is classified as likely benign based on ACMG/AMP sequence variant interpretation guidelines (Richards et al. 2015 PMID: 25741868, with internal and published modifications).

Molecular Diagnostic Laboratory for Inherited Cardiovascular Disease, Montreal Heart Institute
Classification: Likely benign. Last evaluated: 2025-04-09. Review status: criteria provided, single submitter. Criteria: ACMG Guidelines, 2015. Collection method: clinical testing. Allele origin: germline. Affected: no.

Blueprint Genetics
Classification: Uncertain significance. Last evaluated: 2024-11-06. Review status: criteria provided, single submitter. Criteria: ACMG Guidelines, 2015. Collection method: clinical testing. Allele origin: germline.

GeneDx
Classification: Uncertain significance. Last evaluated: 2024-05-03. Review status: criteria provided, single submitter. Criteria: GeneDx Variant Classification Process June 2021. Collection method: clinical testing. Allele origin: germline. Affected: yes.
Comment: In silico analysis is inconclusive as to whether the variant alters gene splicing. In the absence of RNA/functional studies, the actual effect of this sequence change is unknown.; Identified in a cohort of patients with heritable arrhythmias and/or cardiomyopathies; however, detailed clinical information was not provided (PMID: 36138163); This variant is associated with the following publications: (PMID: 36138163)

Revvity Omics, Revvity
Classification: Uncertain significance. Last evaluated: 2023-05-23. Review status: criteria provided, single submitter. Criteria: ACMG Guidelines, 2015. Collection method: clinical testing. Allele origin: germline.

Fulgent Genetics
Classification: Uncertain significance for Tibial muscular dystrophy; Myopathy, myofibrillar, 9, with early respiratory failure; Dilated cardiomyopathy 1G; Autosomal recessive limb-girdle muscular dystrophy type 2J; Early-onset myopathy with fatal cardiomyopathy; Hypertrophic cardiomyopathy 9. Last evaluated: 2022-04-26. Review status: criteria provided, single submitter. Criteria: ACMG Guidelines, 2015. Collection method: clinical testing. Allele origin: unknown.

Athena Diagnostics
Classification: Uncertain significance. Last evaluated: 2018-10-25. Review status: criteria provided, single submitter. Criteria: Athena Diagnostics Criteria. Collection method: clinical testing. Allele origin: germline.

Laboratory for Molecular Medicine, Mass General Brigham Personalized Medicine
Classification: Uncertain significance. Last evaluated: 2016-06-14. Review status: criteria provided, single submitter. Criteria: LMM Criteria. Collection method: clinical testing. Allele origin: germline. Observed: 2 variant alleles.
Comment: The c.30179-6_30179-5insG variant in TTN has not been previously reported in ind ividuals with cardiomyopathy, but has been identified in 3/66294 European chromo somes by the Exome Aggregation Consortium (ExAC; dbSNP rs765503214). This variant is located in the 3' splice region. Computatio nal tools suggest a slight impact to splicing. However, this information is not predictive enough to determine pathogenicity. In summary, the clinical significa nce of the c.30179-6_30179-5insG variant is uncertain.

Eurofins Ntd Llc (ga)
Classification: Uncertain significance. Last evaluated: 2015-09-10. Review status: criteria provided, single submitter. Criteria: EGL Classification Definitions 2015. Collection method: clinical testing. Allele origin: germline. Observed: 2 variant alleles, 1 heterozygote.